The following is an entry in ClinVar:

NM_000136.3(FANCC):c.1065C>A (p.Asp355Glu)

Genes: FANCC (FA complementation group C; minus strand), AOPEP (aminopeptidase O (putative); plus strand). Cytogenetic location: 9q22.32.
Variant type: single nucleotide variant.
Coding change: c.1065C>A on transcript NM_000136.3 (MANE Select); coding-DNA position 1065, C replaced by A.
Protein change: p.Asp355Glu; replaces aspartic acid 355 with glutamic acid.
Molecular consequence: missense variant.
Genome position (GRCh38, 1-based): chr9:95,117,322, G>T on the plus strand (C>A on the coding strand, the complement: FANCC is on the minus strand). VCF-style: chr9-95117322-G-T. GRCh37 (hg19) VCF-style: chr9-97879604-G-T.
Other names: c.1065C>A, p.Asp355Glu (NM_001243743.2, NM_001243744.2); short protein forms D355E.
Identifiers: ClinVar variation 802495 (VCV000802495.17), dbSNP rs1588070592, ClinGen allele CA374108102.

ClinVar aggregate classification (germline): Conflicting classifications of pathogenicity. Review status: criteria provided, conflicting classifications (1 of 4 stars). 5 submissions from 5 submitters: Uncertain significance (3); Likely benign (1). 1 of the submissions does not count toward it. Last evaluated 2025-07-15.

Conditions:
Hereditary breast ovarian cancer syndrome. Also called: BRCA1- and BRCA2-Associated Hereditary Breast and Ovarian Cancer; Hereditary breast and ovarian cancer syndrome; Hereditary breast and/or ovarian cancer syndrome; Hereditary breast and ovarian cancer; Hereditary breast and ovarian cancer syndrome (HBOC); Breast and ovarian cancer. Identifiers: Orphanet 145, MedGen C0677776, MeSH D061325, MONDO:0003582. Disease mechanism: loss of function.
Fanconi anemia complementation group A (FANCA). Also called: FANCA-Related Fanconi Anemia; Fanconi anemia, group A. Identifiers: Orphanet 84, MedGen C3469521, MONDO:0009215, OMIM 227650.
Fanconi anemia (FA). Also called: Fanconi's anemia. Identifiers: Orphanet 84, MedGen C0015625, MeSH D005199, MONDO:0019391.
Hereditary cancer-predisposing syndrome. Also called: Tumor predisposition; Neoplastic Syndromes, Hereditary; Hereditary Cancer Syndrome; Hereditary neoplastic syndrome. Identifiers: Orphanet 140162, MedGen C0027672, MeSH D009386, MONDO:0015356.

Allele frequency attached by ClinVar (database versions not stated): gnomAD 0.00001; TOPMed 0.00001.
gnomAD v4.1: 3 of 1,613,900 alleles (0.00019%); highest among the groups gnomAD compares: East Asian, 0.0045%; no homozygotes.

Submissions (5):

Ambry Genetics
Classification: Uncertain significance for Hereditary cancer-predisposing syndrome. Last evaluated: 2025-07-15. Review status: criteria provided, single submitter. Criteria: Ambry Variant Classification Scheme 2023. Collection method: clinical testing. Allele origin: germline.
Comment: The p.D355E variant (also known as c.1065C>A), located in coding exon 10 of the FANCC gene, results from a C to A substitution at nucleotide position 1065. The aspartic acid at codon 355 is replaced by glutamic acid, an amino acid with highly similar properties. This amino acid position is conserved. In addition, this alteration is predicted to be tolerated by in silico analysis. Since supporting evidence is limited at this time, the clinical significance of this alteration remains unclear.

Labcorp Genetics (formerly Invitae), Labcorp
Classification: Uncertain significance for Fanconi anemia. Last evaluated: 2021-09-02. Review status: criteria provided, single submitter. Criteria: Invitae Variant Classification Sherloc (09022015). Collection method: clinical testing. Allele origin: germline.
Comment: This sequence change replaces aspartic acid with glutamic acid at codon 355 of the FANCC protein (p.Asp355Glu). The aspartic acid residue is weakly conserved and there is a small physicochemical difference between aspartic acid and glutamic acid. This variant is not present in population databases (ExAC no frequency). This variant has not been reported in the literature in individuals affected with FANCC-related conditions. Algorithms developed to predict the effect of missense changes on protein structure and function (SIFT, PolyPhen-2, Align-GVGD) all suggest that this variant is likely to be tolerated. In summary, the available evidence is currently insufficient to determine the role of this variant in disease. Therefore, it has been classified as a Variant of Uncertain Significance.

Mendelics
Classification: Uncertain significance for Fanconi anemia complementation group A. Last evaluated: 2019-05-28. Review status: criteria provided, single submitter. Criteria: Mendelics Assertion Criteria 2017. Collection method: clinical testing. Allele origin: unknown.

Cancer Genomics Group, Japanese Foundation For Cancer Research
Classification: Likely benign for Hereditary breast and ovarian cancer syndrome. Last evaluated: 2019-05-01. Review status: criteria provided, single submitter. Criteria: ACMG Guidelines, 2015. Collection method: research. Allele origin: germline. Affected: yes.

Natera, Inc.
Classification: Uncertain significance for Fanconi anemia. Last evaluated: 2019-02-04. Review status: no assertion criteria provided. Collection method: clinical testing. Allele origin: germline. Not counted in ClinVar's aggregate classification.